The following is an entry in ClinVar:

NM_017780.4(CHD7):c.5301-3C>T

Gene: CHD7 (chromodomain helicase DNA binding protein 7; plus strand). Cytogenetic location: 8q12.2.
Variant type: single nucleotide variant.
Coding change: c.5301-3C>T on transcript NM_017780.4 (MANE Select); 3 bases into the intron before coding-DNA position 5301, C replaced by T.
Molecular consequence: intron variant.
Genome position (GRCh38, 1-based): chr8:60,849,048, C>T. VCF-style: chr8-60849048-C-T. GRCh37 (hg19) VCF-style: chr8-61761607-C-T.
Other names: c.1717-13181C>T (NM_001316690.1).
Identifiers: ClinVar variation 2844649 (VCV002844649.3), dbSNP rs769450172, ClinGen allele CA4760337.

ClinVar aggregate classification (germline): Uncertain significance (1 of 4 stars; one submission).

Conditions:
CHARGE syndrome (CHARGE). Also called: Hittner Hirsch Kreh syndrome; CHARGE ASSOCIATION--COLOBOMA, HEART ANOMALY, CHOANAL ATRESIA, RETARDATION, GENITAL AND EAR ANOMALIES; Coloboma, heart anomaly, choanal atresia, retardation, genital and ear anomalies; CHARGE association; Hall-Hittner syndrome. Identifiers: Orphanet 138, MedGen C0265354, MONDO:0008965.

Allele frequency attached by ClinVar (database versions not stated): gnomAD exomes 0.00001; gnomAD 0.00002; TOPMed 0.00002; ExAC 0.00007.
gnomAD v4.1: 22 of 1,609,352 alleles (0.0014%); highest among the groups gnomAD compares: Non-Finnish European, 0.0017%; no homozygotes.

Submission:

Labcorp Genetics (formerly Invitae), Labcorp
Classification: Uncertain significance for CHARGE syndrome. Last evaluated: 2024-10-10. Review status: criteria provided, single submitter. Criteria: Invitae Variant Classification Sherloc (09022015). Collection method: clinical testing. Allele origin: germline.
Comment: This sequence change falls in intron 24 of the CHD7 gene. It does not directly change the encoded amino acid sequence of the CHD7 protein. It affects a nucleotide within the consensus splice site. This variant is present in population databases (rs769450172, gnomAD 0.009%). This variant has not been reported in the literature in individuals affected with CHD7-related conditions. Variants that disrupt the consensus splice site are a relatively common cause of aberrant splicing (PMID: 17576681, 9536098). Algorithms developed to predict the effect of sequence changes on RNA splicing suggest that this variant is not likely to affect RNA splicing. In summary, the available evidence is currently insufficient to determine the role of this variant in disease. Therefore, it has been classified as a Variant of Uncertain Significance.

Literature cited by the submitters: PubMed 17576681; PubMed 9536098.